The following is an entry in ClinVar:

ClinVar aggregate classification (germline): Uncertain significance (1 of 4 stars; one submission).

Conditions:
Hereditary cancer-predisposing syndrome. Also called: Tumor predisposition; Hereditary Cancer Syndrome; Hereditary neoplastic syndrome; Neoplastic Syndromes, Hereditary. Identifiers: Orphanet 140162, MedGen C0027672, MeSH D009386, MONDO:0015356.

Allele frequency attached by ClinVar (database versions not stated): gnomAD exomes below 0.00001.
gnomAD v4.1: 2 of 1,610,530 alleles (0.00012%); highest among the groups gnomAD compares: Non-Finnish European, 0.00017%; no homozygotes.

Submission:

Ambry Genetics
Classification: Uncertain significance for Hereditary cancer-predisposing syndrome. Last evaluated: 2026-01-12. Review status: criteria provided, single submitter. Criteria: Ambry Variant Classification Scheme 2023. Collection method: clinical testing. Allele origin: germline.
Comment: The p.P331A variant (also known as c.991C>G), located in coding exon 10 of the POLE gene, results from a C to G substitution at nucleotide position 991. The proline at codon 331 is replaced by alanine, an amino acid with highly similar properties. This amino acid position is highly conserved in available vertebrate species. In addition, this alteration is predicted to be tolerated by in silico analysis. Based on the available evidence, the clinical significance of this variant remains unclear.

NM_006231.4(POLE):c.991C>G (p.Pro331Ala)

Gene: POLE (DNA polymerase epsilon, catalytic subunit; minus strand). Cytogenetic location: 12q24.33.
Variant type: single nucleotide variant.
Coding change: c.991C>G on transcript NM_006231.4 (MANE Select); coding-DNA position 991, C replaced by G.
Protein change: p.Pro331Ala; replaces proline 331 with alanine.
Molecular consequence: missense variant.
Genome position (GRCh38, 1-based): chr12:132,676,123, G>C on the plus strand (C>G on the coding strand, the complement: POLE is on the minus strand). VCF-style: chr12-132676123-G-C. GRCh37 (hg19) VCF-style: chr12-133252709-G-C.
Other names: short protein forms P331A.
Identifiers: ClinVar variation 1768610 (VCV001768610.3), dbSNP rs994360398, ClinGen allele CA387363582.
Genomic context (GRCh38, chr12:132,676,123, plus strand): 5'-CCGGGTAGTTTCCCAAGTGATACCTCCTTACCTCATCGGGTTCATTGAAGACACAAAAGG[G>C]GCCTTCATATTCTGGCTTGGGGGTGAACTCAAAATCTTCAATATCTTCTGAAACAATCTC-3'
Protein context (NP_006222.2, residues 321-341): EFTPKPEYEG[Pro331Ala]FCVFNEPDEA